The following is an entry in ClinVar:

ClinVar aggregate classification (germline): Conflicting classifications of pathogenicity. Review status: criteria provided, conflicting classifications (1 of 4 stars). 2 submissions from 2 submitters: Uncertain significance (1); Likely benign (1). Last evaluated 2026-01-08.

Allele frequency attached by ClinVar (database versions not stated): gnomAD exomes 0.00001; gnomAD 0.00005; TOPMed 0.00005.
gnomAD v4.1: 25 of 1,599,828 alleles (0.0016%); highest among the groups gnomAD compares: African/African-American, 0.017%; no homozygotes.

Submissions (2):

Labcorp Genetics (formerly Invitae), Labcorp
Classification: Uncertain significance. Last evaluated: 2026-01-08. Review status: criteria provided, single submitter. Criteria: Invitae Variant Classification Sherloc (09022015). Collection method: clinical testing. Allele origin: germline.
Comment: This sequence change affects codon 206 of the RFX6 mRNA. It is a 'silent' change, meaning that it does not change the encoded amino acid sequence of the RFX6 protein. This variant is present in population databases (rs774845102, gnomAD 0.02%). This variant has not been reported in the literature in individuals affected with RFX6-related conditions. ClinVar contains an entry for this variant (Variation ID: 2158040). Algorithms developed to predict the effect of sequence changes on RNA splicing suggest that this variant may disrupt the consensus splice site. In summary, the available evidence is currently insufficient to determine the role of this variant in disease. Therefore, it has been classified as a Variant of Uncertain Significance.

Blueprint Genetics
Classification: Likely benign. Last evaluated: 2024-07-15. Review status: criteria provided, single submitter. Criteria: ACMG Guidelines, 2015. Collection method: clinical testing. Allele origin: germline.

NM_173560.4(RFX6):c.618C>T (p.Ser206=)

Gene: RFX6 (regulatory factor X6; plus strand). Cytogenetic location: 6q22.1.
Variant type: single nucleotide variant.
Coding change: c.618C>T on transcript NM_173560.4 (MANE Select); coding-DNA position 618, C replaced by T.
Protein change: p.Ser206=; no amino-acid change (serine 206 retained).
Molecular consequence: synonymous variant.
Genome position (GRCh38, 1-based): chr6:116,894,038, C>T. VCF-style: chr6-116894038-C-T. GRCh37 (hg19) VCF-style: chr6-117215201-C-T.
Identifiers: ClinVar variation 2158040 (VCV002158040.5), dbSNP rs774845102, ClinGen allele CA3973072.